The following is an entry in ClinVar:

NM_139125.4(MASP1):c.637C>T (p.Leu213=)

Gene: MASP1 (MBL associated serine protease 1; minus strand). Cytogenetic location: 3q27.3.
Variant type: single nucleotide variant.
Coding change: c.637C>T on transcript NM_139125.4 (MANE Select); coding-DNA position 637, C replaced by T.
Protein change: p.Leu213=; no amino-acid change (leucine 213 retained).
Molecular consequence: synonymous variant. On other transcripts: non-coding transcript variant (1).
Genome position (GRCh38, 1-based): chr3:187,256,771, G>A on the plus strand (C>T on the coding strand, the complement: MASP1 is on the minus strand). VCF-style: chr3-187256771-G-A. GRCh37 (hg19) VCF-style: chr3-186974559-G-A.
Other names: c.637C>T, p.Leu213= (NM_001031849.3, NM_001879.6).
Identifiers: ClinVar variation 705206 (VCV000705206.10), dbSNP rs28945069, ClinGen allele CA89693213.

ClinVar aggregate classification (germline): Likely benign. Review status: criteria provided, single submitter (1 of 4 stars). 2 submissions from 2 submitters: Likely benign (1). 1 of the submissions does not count toward it. Last evaluated 2025-11-06.

Conditions:
MASP1-related disorder. Also called: MASP1-related condition.
3MC syndrome 1. Also called: CRANIOSYNOSTOSIS WITH LID ANOMALIES; OCULOPALATOSKELETAL SYNDROME; MICHELS SYNDROME. Identifiers: Orphanet 293843, MedGen C0796059, MONDO:0009770, OMIM 257920.

Allele frequency attached by ClinVar (database versions not stated): gnomAD exomes 0.00001; gnomAD 0.00008 and 0.00011; TOPMed 0.00030.
gnomAD v4.1: 35 of 1,613,792 alleles (0.0022%); highest among the groups gnomAD compares: Admixed American, 0.033%; no homozygotes.

Submissions (2):

Labcorp Genetics (formerly Invitae), Labcorp
Classification: Likely benign for 3MC syndrome 1. Last evaluated: 2025-11-06. Review status: criteria provided, single submitter. Criteria: Invitae Variant Classification Sherloc (09022015). Collection method: clinical testing. Allele origin: germline.

PreventionGenetics, part of Exact Sciences
Classification: Likely benign for MASP1-related condition. Last evaluated: 2019-05-20. Review status: no assertion criteria provided. Collection method: clinical testing. Allele origin: germline. Not counted in ClinVar's aggregate classification.
Comment: This variant is classified as likely benign based on ACMG/AMP sequence variant interpretation guidelines (Richards et al. 2015 PMID: 25741868, with internal and published modifications).